The following is an entry in ClinVar:

NM_003680.4(YARS1):c.592-268G>A

Gene: YARS1 (tyrosyl-tRNA synthetase 1; minus strand). Cytogenetic location: 1p35.1.
Variant type: single nucleotide variant.
Coding change: c.592-268G>A on transcript NM_003680.4 (MANE Select); 268 bases into the intron before coding-DNA position 592, G replaced by A.
Molecular consequence: intron variant.
Genome position (GRCh38, 1-based): chr1:32,791,522, C>T on the plus strand (G>A on the coding strand, the complement: YARS1 is on the minus strand). VCF-style: chr1-32791522-C-T. GRCh37 (hg19) VCF-style: chr1-33257123-C-T.
Identifiers: ClinVar variation 672684 (VCV000672684.1), dbSNP rs139561991, ClinGen allele CA10900404.

ClinVar aggregate classification (germline): Likely benign (1 of 4 stars; one submission).

Allele frequency attached by ClinVar (database versions not stated): 1000 Genomes Project 0.00978; 1000 Genomes Project 30x 0.01093; TOPMed 0.02007; gnomAD 0.02268 and 0.02328.
gnomAD v4.1: 3,418 of 152,194 alleles (2.2%); highest among the groups gnomAD compares: Non-Finnish European, 3.6%; 59 homozygotes.

Submission:

GeneDx
Classification: Likely benign. Last evaluated: 2018-06-14. Review status: criteria provided, single submitter. Criteria: GeneDx Variant Classification (06012015). Collection method: clinical testing. Allele origin: germline. Affected: yes.
Comment: This variant is considered likely benign or benign based on one or more of the following criteria: it is a conservative change, it occurs at a poorly conserved position in the protein, it is predicted to be benign by multiple in silico algorithms, and/or has population frequency not consistent with disease.